The following is an entry in ClinVar:

ClinVar aggregate classification (germline): Uncertain significance (1 of 4 stars; one submission).

Conditions:
Tuberous sclerosis 1 (TSC1). Identifiers: Orphanet 805, MedGen C1854465, MONDO:0008612, OMIM 191100.

gnomAD v4.1: 2 of 1,614,096 alleles (0.00012%); highest among the groups gnomAD compares: Non-Finnish European, 0.00017%; no homozygotes.

Submission:

Labcorp Genetics (formerly Invitae), Labcorp
Classification: Uncertain significance for Tuberous sclerosis 1. Last evaluated: 2020-08-22. Review status: criteria provided, single submitter. Criteria: Invitae Variant Classification Sherloc (09022015). Collection method: clinical testing. Allele origin: germline.
Comment: This sequence change falls in intron 3 of the TSC1 gene. It does not directly change the encoded amino acid sequence of the TSC1 protein, but it affects a nucleotide within the consensus splice site of the intron. This variant is not present in population databases (ExAC no frequency). This variant has not been reported in the literature in individuals with TSC1-related conditions. Nucleotide substitutions within the consensus splice site are a relatively common cause of aberrant splicing (PMID: 17576681, 9536098). Algorithms developed to predict the effect of sequence changes on RNA splicing suggest that this variant is not likely to affect RNA splicing, but this prediction has not been confirmed by published transcriptional studies. In summary, the available evidence is currently insufficient to determine the role of this variant in disease. Therefore, it has been classified as a Variant of Uncertain Significance.

Literature cited by the submitters: PubMed 17576681; PubMed 9536098.

NM_000368.5(TSC1):c.106+3T>C

Gene: TSC1 (TSC complex subunit 1; minus strand). Cytogenetic location: 9q34.13.
Variant type: single nucleotide variant.
Coding change: c.106+3T>C on transcript NM_000368.5 (MANE Select); 3 bases into the intron after coding-DNA position 106, T replaced by C.
Molecular consequence: intron variant.
Genome position (GRCh38, 1-based): chr9:132,928,764, A>G on the plus strand (T>C on the coding strand, the complement: TSC1 is on the minus strand). VCF-style: chr9-132928764-A-G. GRCh37 (hg19) VCF-style: chr9-135804151-A-G.
Other names: c.-154+3T>C (NM_001362177.2); c.106+3T>C (NM_001162427.2, NM_001162426.2).
Identifiers: ClinVar variation 1041709 (VCV001041709.6), dbSNP rs1847030488, ClinGen allele CA1882424893.